The following is an entry in ClinVar:

ClinVar aggregate classification (germline): Likely benign. Review status: criteria provided, multiple submitters, no conflicts (2 of 4 stars). 4 submissions from 4 submitters: Likely benign (4). Last evaluated 2025-12-29.

Conditions:
Hereditary cancer-predisposing syndrome. Also called: Neoplastic Syndromes, Hereditary; Hereditary neoplastic syndrome; Tumor predisposition; Hereditary Cancer Syndrome. Identifiers: Orphanet 140162, MedGen C0027672, MeSH D009386, MONDO:0015356.
Hereditary breast ovarian cancer syndrome. Also called: BRCA1- and BRCA2-Associated Hereditary Breast and Ovarian Cancer; Hereditary breast and ovarian cancer syndrome; Hereditary breast and ovarian cancer syndrome (HBOC); Breast and ovarian cancer; Hereditary breast and/or ovarian cancer syndrome; Hereditary breast and ovarian cancer. Identifiers: Orphanet 145, MedGen C0677776, MeSH D061325, MONDO:0003582. Disease mechanism: loss of function.
Familial pancreatic carcinoma. Identifiers: Orphanet 1333, MedGen C2931038, MONDO:0015278, OMIM 260350.

Allele frequency attached by ClinVar (database versions not stated): gnomAD exomes below 0.00001.
gnomAD v4.1: 2 of 1,586,206 alleles (0.00013%); highest among the groups gnomAD compares: Non-Finnish European, 0.00017%; no homozygotes.

Submissions (4):

Center for Genomic Medicine, Rigshospitalet, Copenhagen University Hospital
Classification: Likely benign. Last evaluated: 2025-12-29. Review status: criteria provided, single submitter. Criteria: ACMG Guidelines, 2015. Collection method: clinical testing. Allele origin: germline.
Comment: Classification criteria: BP4, BP7

Labcorp Genetics (formerly Invitae), Labcorp
Classification: Likely benign for Hereditary breast ovarian cancer syndrome. Last evaluated: 2025-03-27. Review status: criteria provided, single submitter. Criteria: Invitae Variant Classification Sherloc (09022015). Collection method: clinical testing. Allele origin: germline.

Department of Pathology and Laboratory Medicine, Sinai Health System
Classification: Likely benign for Familial pancreatic carcinoma. Last evaluated: 2023-03-31. Review status: criteria provided, single submitter. Criteria: ACMG Guidelines, 2015. Collection method: clinical testing. Allele origin: germline. Affected: yes.

Color Diagnostics, LLC DBA Color Health
Classification: Likely benign for Hereditary cancer-predisposing syndrome. Last evaluated: 2019-09-16. Review status: criteria provided, single submitter. Criteria: ACMG Guidelines, 2015. Collection method: clinical testing. Allele origin: germline.

NM_000059.4(BRCA2):c.681+7A>G

Gene: BRCA2 (BRCA2 DNA repair associated; plus strand). Cytogenetic location: 13q13.1.
Variant type: single nucleotide variant.
Coding change: c.681+7A>G on transcript NM_000059.4 (MANE Select); 7 bases into the intron after coding-DNA position 681, A replaced by G.
Molecular consequence: intron variant.
Genome position (GRCh38, 1-based): chr13:32,329,499, A>G. VCF-style: chr13-32329499-A-G. GRCh37 (hg19) VCF-style: chr13-32903636-A-G.
Identifiers: ClinVar variation 795352 (VCV000795352.15), dbSNP rs1593889345, ClinGen allele CA915946944.